The following is an entry in ClinVar:

NM_001372.4(DNAH9):c.2948C>A (p.Pro983Gln)

Genes: DNAH9 (dynein axonemal heavy chain 9; plus strand), LOC126862505 (BRD4-independent group 4 enhancer GRCh37_chr17:11572478-11573677; plus strand). Cytogenetic location: 17p12.
Variant type: single nucleotide variant.
Coding change: c.2948C>A on transcript NM_001372.4 (MANE Select); coding-DNA position 2948, C replaced by A.
Protein change: p.Pro983Gln; replaces proline 983 with glutamine.
Molecular consequence: missense variant.
Genome position (GRCh38, 1-based): chr17:11,669,389, C>A. VCF-style: chr17-11669389-C-A. GRCh37 (hg19) VCF-style: chr17-11572706-C-A.
Other names: c.2948C>A (NM_001372.3); short protein forms P983Q.
Identifiers: ClinVar variation 1916315 (VCV001916315.5), dbSNP rs111683437, ClinGen allele CA287799518.

ClinVar aggregate classification (germline): Uncertain significance. Review status: criteria provided, multiple submitters, no conflicts (2 of 4 stars). 2 submissions from 2 submitters: Uncertain significance (2). Last evaluated 2025-06-07.

Conditions:
Inborn genetic diseases. Identifiers: MedGen C0950123, MeSH D030342.

Allele frequency attached by ClinVar (database versions not stated): gnomAD 0.00003; TOPMed 0.00002.
gnomAD v4.1: 36 of 1,612,904 alleles (0.0022%); highest among the groups gnomAD compares: African/African-American, 0.025%; 1 homozygote.

Submissions (2):

Ambry Genetics
Classification: Uncertain significance for Inborn genetic diseases. Last evaluated: 2025-06-07. Review status: criteria provided, single submitter. Criteria: Ambry Variant Classification Scheme 2023. Collection method: clinical testing. Allele origin: germline.

Labcorp Genetics (formerly Invitae), Labcorp
Classification: Uncertain significance. Last evaluated: 2024-05-10. Review status: criteria provided, single submitter. Criteria: Invitae Variant Classification Sherloc (09022015). Collection method: clinical testing. Allele origin: germline.
Comment: This sequence change replaces proline, which is neutral and non-polar, with glutamine, which is neutral and polar, at codon 983 of the DNAH9 protein (p.Pro983Gln). This variant is not present in population databases (gnomAD no frequency). This variant has not been reported in the literature in individuals affected with DNAH9-related conditions. ClinVar contains an entry for this variant (Variation ID: 1916315). Advanced modeling of protein sequence and biophysical properties (such as structural, functional, and spatial information, amino acid conservation, physicochemical variation, residue mobility, and thermodynamic stability) performed at Invitae indicates that this missense variant is not expected to disrupt DNAH9 protein function with a negative predictive value of 80%. In summary, the available evidence is currently insufficient to determine the role of this variant in disease. Therefore, it has been classified as a Variant of Uncertain Significance.